The following is an entry in ClinVar:

ClinVar aggregate classification (germline): Uncertain significance (1 of 4 stars; one submission).

Conditions:
Familial hemophagocytic lymphohistiocytosis 5. Also called: STXBP2-Related Familial Hemophagocytic Lymphohistiocytosis (STXBP2-fHLH). Identifiers: Orphanet 540, MedGen C2751293, MONDO:0013135, OMIM 613101.

Submission:

Labcorp Genetics (formerly Invitae), Labcorp
Classification: Uncertain significance for Familial hemophagocytic lymphohistiocytosis 5. Last evaluated: 2022-01-28. Review status: criteria provided, single submitter. Criteria: Invitae Variant Classification Sherloc (09022015). Collection method: clinical testing. Allele origin: germline.
Comment: This sequence change replaces lysine, which is basic and polar, with arginine, which is basic and polar, at codon 193 of the STXBP2 protein (p.Lys193Arg). This variant is not present in population databases (gnomAD no frequency). This variant has not been reported in the literature in individuals affected with STXBP2-related conditions. Algorithms developed to predict the effect of missense changes on protein structure and function output the following: SIFT: "Tolerated"; PolyPhen-2: "Benign"; Align-GVGD: "Class C0". The arginine amino acid residue is found in multiple mammalian species, which suggests that this missense change does not adversely affect protein function. Algorithms developed to predict the effect of sequence changes on RNA splicing suggest that this variant may create or strengthen a splice site. In summary, the available evidence is currently insufficient to determine the role of this variant in disease. Therefore, it has been classified as a Variant of Uncertain Significance.

NM_006949.4(STXBP2):c.578A>G (p.Lys193Arg)

Gene: STXBP2 (syntaxin binding protein 2; plus strand). Cytogenetic location: 19p13.2.
Variant type: single nucleotide variant.
Coding change: c.578A>G on transcript NM_006949.4 (MANE Select); coding-DNA position 578, A replaced by G.
Protein change: p.Lys193Arg; replaces lysine 193 with arginine.
Molecular consequence: missense variant. On other transcripts: non-coding transcript variant (1).
Genome position (GRCh38, 1-based): chr19:7,641,853, A>G. VCF-style: chr19-7641853-A-G. GRCh37 (hg19) VCF-style: chr19-7706739-A-G.
Other names: c.569A>G, p.Lys190Arg (NM_001127396.3); c.611A>G, p.Lys204Arg (NM_001272034.2); c.482A>G, p.Lys161Arg (NM_001414484.1); short protein forms K193R, K161R, K190R, K204R.
Identifiers: ClinVar variation 2090897 (VCV002090897.1), dbSNP rs866852749, ClinGen allele CA304907012.
Genomic context (GRCh38, chr19:7,641,853, plus strand): 5'-CCCAGCAGATTGCCACGCTGTGCGCCACCCTGCAGGAGTACCCGGCCATCCGCTACCGCA[A>G]GTGGGGACCCCACCCAGCCCCACCCCGATGCCGACCCCCCCTTAACCGCGTGCAACACCT-3'
Protein context (NP_008880.2, residues 183-203): LQEYPAIRYR[Lys193Arg]GPEDTAQLAH